The following is an entry in ClinVar:

NM_006844.5(HACL2):c.1314G>A (p.Ala438=)

Gene: HACL2 (2-hydroxyacyl-CoA lyase 2; minus strand). Cytogenetic location: 19p13.12.
Variant type: single nucleotide variant.
Coding change: c.1314G>A on transcript NM_006844.5 (MANE Select); coding-DNA position 1314, G replaced by A.
Protein change: p.Ala438=; no amino-acid change (alanine 438 retained).
Molecular consequence: synonymous variant.
Genome position (GRCh38, 1-based): chr19:15,116,309, C>T on the plus strand (G>A on the coding strand, the complement: HACL2 is on the minus strand). VCF-style: chr19-15116309-C-T. GRCh37 (hg19) VCF-style: chr19-15227120-C-T.
Identifiers: ClinVar variation 2649426 (VCV002649426.24), dbSNP rs114919591, ClinGen allele CA9261751.
Genomic context (GRCh38, chr19:15,116,309, plus strand): 5'-TAGCGTTTCCTCCACCAGCTGCAGCACCTGCACTGGGTTCAGGTGCTGGGCCACAGGCAT[C>T]GCTGCCTTCTCCCTGCGACAGGACAGCGAAGGTCACCAGGGTTGGCAGCAGGGTCTGCCG-3'
Protein context (NP_006835.2, residues 428-448): QKEQTFREKA[Ala438=]MPVAQHLNPV

ClinVar aggregate classification (germline): Likely benign (1 of 4 stars; one submission).

Allele frequency attached by ClinVar (database versions not stated): ESP Exome Variant Server 0.00077; 1000 Genomes Project 30x 0.00094; 1000 Genomes Project 0.00100.
gnomAD v4.1: 215 of 1,613,944 alleles (0.013%); highest among the groups gnomAD compares: African/African-American, 0.23%; no homozygotes.

Submission:

CeGaT Center for Human Genetics Tuebingen
Classification: Likely benign. Last evaluated: 2022-04-01. Review status: criteria provided, single submitter. Criteria: CeGaT Center For Human Genetics Tuebingen Variant Classification Criteria Version 2. Collection method: clinical testing. Allele origin: germline. Affected: yes. Observed: 1 variant allele.
Comment: HACL2: BP4, BP7